The following is an entry in ClinVar:

NM_004239.4(TRIP11):c.4893-203G>A

Gene: TRIP11 (thyroid hormone receptor interactor 11; minus strand). Cytogenetic location: 14q32.12.
Variant type: single nucleotide variant.
Coding change: c.4893-203G>A on transcript NM_004239.4 (MANE Select); 203 bases into the intron before coding-DNA position 4893, G replaced by A.
Molecular consequence: intron variant.
Genome position (GRCh38, 1-based): chr14:91,995,718, C>T on the plus strand (G>A on the coding strand, the complement: TRIP11 is on the minus strand). VCF-style: chr14-91995718-C-T. GRCh37 (hg19) VCF-style: chr14-92462062-C-T.
Other names: c.4890-203G>A (NM_001321851.1).
Identifiers: ClinVar variation 667789 (VCV000667789.1), dbSNP rs10134947, ClinGen allele CA13983025.

ClinVar aggregate classification (germline): Benign (1 of 4 stars; one submission).

Allele frequency attached by ClinVar (database versions not stated): 1000 Genomes Project 30x 0.27561; 1000 Genomes Project 0.27855; TOPMed 0.28566; gnomAD 0.29498 and 0.29695.
gnomAD v4.1: 44,974 of 151,454 alleles (30%); highest among the groups gnomAD compares: Middle Eastern, 35%; 6,857 homozygotes.

Submission:

GeneDx
Classification: Benign. Last evaluated: 2018-06-14. Review status: criteria provided, single submitter. Criteria: GeneDx Variant Classification (06012015). Collection method: clinical testing. Allele origin: germline. Affected: yes.
Comment: This variant is considered likely benign or benign based on one or more of the following criteria: it is a conservative change, it occurs at a poorly conserved position in the protein, it is predicted to be benign by multiple in silico algorithms, and/or has population frequency not consistent with disease.